The following is an entry in ClinVar:

NM_001394062.1(MACF1):c.3032T>C (p.Leu1011Ser)

Gene: MACF1 (microtubule actin crosslinking factor 1; plus strand). Cytogenetic location: 1p34.3.
Variant type: single nucleotide variant.
Coding change: c.3032T>C on transcript NM_001394062.1 (MANE Select); coding-DNA position 3032, T replaced by C.
Protein change: p.Leu1011Ser; replaces leucine 1011 with serine.
Molecular consequence: missense variant.
Genome position (GRCh38, 1-based): chr1:39,310,360, T>C. VCF-style: chr1-39310360-T-C. GRCh37 (hg19) VCF-style: chr1-39776032-T-C.
Other names: c.3047T>C (NM_012090.4); c.3047T>C, p.Leu1016Ser (NM_012090.5); short protein forms L1011S, L1016S.
Identifiers: ClinVar variation 2882594 (VCV002882594.8), dbSNP rs778234716, ClinGen allele CA779864.

ClinVar aggregate classification (germline): Conflicting classifications of pathogenicity. Review status: criteria provided, conflicting classifications (1 of 4 stars). 3 submissions from 3 submitters: Uncertain significance (1); Likely benign (2). Last evaluated 2026-03-01.

Conditions:
Inborn genetic diseases. Identifiers: MedGen C0950123, MeSH D030342.

Allele frequency attached by ClinVar (database versions not stated): gnomAD exomes 0.00001; ExAC 0.00003; gnomAD 0.00013; TOPMed 0.00016.
gnomAD v4.1: 29 of 1,614,028 alleles (0.0018%); highest among the groups gnomAD compares: African/African-American, 0.033%; no homozygotes.

Submissions (3):

CeGaT Center for Human Genetics Tuebingen
Classification: Likely benign. Last evaluated: 2026-03-01. Review status: criteria provided, single submitter. Criteria: CeGaT Center For Human Genetics Tuebingen Variant Classification Criteria Version 2. Collection method: clinical testing. Allele origin: germline. Affected: yes. Observed: 1 variant allele.
Comment: MACF1: BS2

Labcorp Genetics (formerly Invitae), Labcorp
Classification: Uncertain significance. Last evaluated: 2025-06-11. Review status: criteria provided, single submitter. Criteria: Invitae Variant Classification Sherloc (09022015). Collection method: clinical testing. Allele origin: germline.
Comment: This sequence change replaces leucine, which is neutral and non-polar, with serine, which is neutral and polar, at codon 1016 of the MACF1 protein (p.Leu1016Ser). This variant is present in population databases (rs778234716, gnomAD 0.04%). This variant has not been reported in the literature in individuals affected with MACF1-related conditions. ClinVar contains an entry for this variant (Variation ID: 2882594). An algorithm developed to predict the effect of missense changes on protein structure and function (PolyPhen-2) suggests that this variant is likely to be disruptive. In summary, the available evidence is currently insufficient to determine the role of this variant in disease. Therefore, it has been classified as a Variant of Uncertain Significance.

Ambry Genetics
Classification: Likely benign for Inborn genetic diseases. Last evaluated: 2024-12-04. Review status: criteria provided, single submitter. Criteria: Ambry Variant Classification Scheme 2023. Collection method: clinical testing. Allele origin: germline.